The following is an entry in ClinVar:

NM_178857.6(RP1L1):c.166C>T (p.Arg56Cys)

Gene: RP1L1 (RP1 like 1). Cytogenetic location: 8p23.1.
Variant type: single nucleotide variant.
Coding change: c.166C>T on transcript NM_178857.6 (MANE Select); coding-DNA position 166, C replaced by T.
Protein change: p.Arg56Cys; replaces arginine 56 with cysteine.
Molecular consequence: missense variant.
Genome position (GRCh38, 1-based): chr8:10,623,036, G>A on the plus strand (C>T on the coding strand, the complement: RP1L1 is on the minus strand). VCF-style: chr8-10623036-G-A. GRCh37 (hg19) VCF-style: chr8-10480546-G-A.
Other names: short protein forms R56C.
Identifiers: ClinVar variation 361424 (VCV000361424.16), dbSNP rs150931842, ClinGen allele CA4625847.
Genomic context (GRCh38, chr8:10,623,036, plus strand): 5'-AGGAGAGAGGCACGCGCTGGGAGAGCTCGTCCATGAGGGCGCTGAAGGTCTTAAAGGCGC[G>A]CTGGTGAACGGCCAGGCGGACCCCAGCAAACCGTGGATCCCCTCGCTTGAGGAAGGTGAT-3'
Protein context (NP_849188.4, residues 46-66): FAGVRLAVHQ[Arg56Cys]AFKTFSALMD

ClinVar aggregate classification (germline): Benign. Review status: criteria provided, multiple submitters, no conflicts (2 of 4 stars). 3 submissions from 3 submitters: Benign (3). Last evaluated 2026-02-02.

Conditions:
Occult macular dystrophy (OCMD). Also called: OCCULT MACULAR DYSTROPHY, SUSCEPTIBILITY TO; OMD. Identifiers: Orphanet 247834, MedGen C3150833, MONDO:0013316, OMIM 613587, HP:0030636.

Allele frequency attached by ClinVar (database versions not stated): 1000 Genomes Project 0.00439; TOPMed 0.00490; ESP Exome Variant Server 0.00087; 1000 Genomes Project 30x 0.00578.
gnomAD v4.1: 4,342 of 1,614,140 alleles (0.27%); highest among the groups gnomAD compares: Admixed American, 6.6%; 159 homozygotes.

Submissions (3):

Labcorp Genetics (formerly Invitae), Labcorp
Classification: Benign. Last evaluated: 2026-02-02. Review status: criteria provided, single submitter. Criteria: Invitae Variant Classification Sherloc (09022015). Collection method: clinical testing. Allele origin: germline.

Illumina Laboratory Services, Illumina
Classification: Benign for Occult macular dystrophy. Last evaluated: 2017-04-27. Review status: criteria provided, single submitter. Criteria: ICSL Variant Classification Criteria 13 December 2019. Collection method: clinical testing. Allele origin: germline.
Comment: This variant was observed as part of a predisposition screen in an ostensibly healthy population. A literature search was performed for the gene, cDNA change, and amino acid change (where applicable). Publications were found based on this search. The evidence from the literature, in combination with allele frequency data from public databases where available, was sufficient to rule this variant out of causing disease. Therefore, this variant is classified as benign.

Breakthrough Genomics
Classification: Benign. Review status: criteria provided, single submitter. Criteria: ACMG Guidelines, 2015. Collection method: not provided. Allele origin: germline. Inheritance: Autosomal recessive inheritance. Affected: yes.

Literature cited by the submitters: PubMed 12724644 (cited by Illumina Laboratory Services, Illumina).